The following is an entry in ClinVar:

NM_004055.5(CAPN5):c.1244G>A (p.Arg415Gln)

Gene: CAPN5 (calpain 5; plus strand). Cytogenetic location: 11q13.5.
Variant type: single nucleotide variant.
Coding change: c.1244G>A on transcript NM_004055.5 (MANE Select); coding-DNA position 1244, G replaced by A.
Protein change: p.Arg415Gln; replaces arginine 415 with glutamine.
Molecular consequence: missense variant.
Genome position (GRCh38, 1-based): chr11:77,119,106, G>A. VCF-style: chr11-77119106-G-A. GRCh37 (hg19) VCF-style: chr11-76830152-G-A.
Other names: short protein forms R415Q.
Identifiers: ClinVar variation 849250 (VCV000849250.11), dbSNP rs529481587, ClinGen allele CA6196737.

ClinVar aggregate classification (germline): Conflicting classifications of pathogenicity. Review status: criteria provided, conflicting classifications (1 of 4 stars). 3 submissions from 3 submitters: Uncertain significance (2); Likely benign (1). Last evaluated 2025-11-15.

Conditions:
Inborn genetic diseases. Identifiers: MedGen C0950123, MeSH D030342.

Allele frequency attached by ClinVar (database versions not stated): gnomAD exomes 0.00005 and 0.00006; gnomAD 0.00006; ExAC 0.00009; TOPMed 0.00009.
gnomAD v4.1: 92 of 1,613,736 alleles (0.0057%); highest among the groups gnomAD compares: Middle Eastern, 0.016%; no homozygotes.

Submissions (3):

Labcorp Genetics (formerly Invitae), Labcorp
Classification: Uncertain significance. Last evaluated: 2025-11-15. Review status: criteria provided, single submitter. Criteria: Invitae Variant Classification Sherloc (09022015). Collection method: clinical testing. Allele origin: germline.
Comment: This sequence change replaces arginine, which is basic and polar, with glutamine, which is neutral and polar, at codon 415 of the CAPN5 protein (p.Arg415Gln). This variant is present in population databases (rs529481587, gnomAD 0.01%). This variant has not been reported in the literature in individuals affected with CAPN5-related conditions. ClinVar contains an entry for this variant (Variation ID: 849250). Invitae Evidence Modeling of protein sequence and biophysical properties (such as structural, functional, and spatial information, amino acid conservation, physicochemical variation, residue mobility, and thermodynamic stability) indicates that this missense variant is not expected to disrupt CAPN5 protein function with a negative predictive value of 80%. In summary, the available evidence is currently insufficient to determine the role of this variant in disease. Therefore, it has been classified as a Variant of Uncertain Significance.

Blueprint Genetics
Classification: Likely benign. Last evaluated: 2024-05-13. Review status: criteria provided, single submitter. Criteria: ACMG Guidelines, 2015. Collection method: clinical testing. Allele origin: germline.

Ambry Genetics
Classification: Uncertain significance for Inborn genetic diseases. Last evaluated: 2022-04-13. Review status: criteria provided, single submitter. Criteria: Ambry Variant Classification Scheme 2023. Collection method: clinical testing. Allele origin: germline.